The following is an entry in ClinVar:

NM_018993.4(RIN2):c.586A>C (p.Lys196Gln)

Gene: RIN2 (Ras and Rab interactor 2; plus strand). Cytogenetic location: 20p11.23.
Variant type: single nucleotide variant.
Coding change: c.586A>C on transcript NM_018993.4 (MANE Select); coding-DNA position 586, A replaced by C.
Protein change: p.Lys196Gln; replaces lysine 196 with glutamine.
Molecular consequence: missense variant. On other transcripts: 5 prime UTR variant (1).
Genome position (GRCh38, 1-based): chr20:19,970,887, A>C. VCF-style: chr20-19970887-A-C. GRCh37 (hg19) VCF-style: chr20-19951531-A-C.
Other names: c.733A>C, p.Lys245Gln (NM_001242581.2); c.-33A>C (NM_001378238.1); short protein forms K196Q, K245Q.
Identifiers: ClinVar variation 1198943 (VCV001198943.7), dbSNP rs1057087286, ClinGen allele CA312413280.
Genomic context (GRCh38, chr20:19,970,887, plus strand): 5'-TGAACAATCAGGGATGTTCTACCATTTACCTTGAAGTTGCCTTATGCCATTTCAACAGCC[A>C]AGTCGGAGGCTCAGCTTGAAGAACTGGCCCAGATGGGACTAAGTAAGTGTGTGCCCCCTG-3'
Protein context (NP_061866.1, residues 186-206): LKLPYAISTA[Lys196Gln]SEAQLEELAQ

ClinVar aggregate classification (germline): Uncertain significance. Review status: criteria provided, multiple submitters, no conflicts (2 of 4 stars). 3 submissions from 3 submitters: Uncertain significance (3). Last evaluated 2024-07-09.

Conditions:
Inborn genetic diseases. Identifiers: MedGen C0950123, MeSH D030342.

Allele frequency attached by ClinVar (database versions not stated): gnomAD exomes 0.00002 and 0.00005; gnomAD 0.00003; TOPMed 0.00003.
gnomAD v4.1: 75 of 1,613,622 alleles (0.0046%); highest among the groups gnomAD compares: Non-Finnish European, 0.0061%; no homozygotes.

Submissions (3):

Ambry Genetics
Classification: Uncertain significance for Inborn genetic diseases. Last evaluated: 2024-07-09. Review status: criteria provided, single submitter. Criteria: Ambry Variant Classification Scheme 2023. Collection method: clinical testing. Allele origin: germline.

GeneDx
Classification: Uncertain significance. Last evaluated: 2022-04-18. Review status: criteria provided, single submitter. Criteria: GeneDx Variant Classification Process June 2021. Collection method: clinical testing. Allele origin: germline. Affected: yes.
Comment: Has not been previously published as pathogenic or benign to our knowledge; Not observed at significant frequency in large population cohorts (gnomAD); In silico analysis supports that this missense variant does not alter protein structure/function

Labcorp Genetics (formerly Invitae), Labcorp
Classification: Uncertain significance. Last evaluated: 2021-08-26. Review status: criteria provided, single submitter. Criteria: Invitae Variant Classification Sherloc (09022015). Collection method: clinical testing. Allele origin: germline.
Comment: This sequence change replaces lysine with glutamine at codon 196 of the RIN2 protein (p.Lys196Gln). The lysine residue is moderately conserved and there is a small physicochemical difference between lysine and glutamine. This variant is not present in population databases (ExAC no frequency). This variant has not been reported in the literature in individuals affected with RIN2-related conditions. Algorithms developed to predict the effect of missense changes on protein structure and function are either unavailable or do not agree on the potential impact of this missense change (SIFT: "Tolerated"; PolyPhen-2: "Not Available"; Align-GVGD: "Class C0"). In summary, the available evidence is currently insufficient to determine the role of this variant in disease. Therefore, it has been classified as a Variant of Uncertain Significance.